The following is an entry in ClinVar:

NM_145331.3(MAP3K7):c.634G>A (p.Val212Ile)

Gene: MAP3K7 (mitogen-activated protein kinase kinase kinase 7; minus strand). Cytogenetic location: 6q15.
Variant type: single nucleotide variant.
Coding change: c.634G>A on transcript NM_145331.3 (MANE Select); coding-DNA position 634, G replaced by A.
Protein change: p.Val212Ile; replaces valine 212 with isoleucine.
Molecular consequence: missense variant.
Genome position (GRCh38, 1-based): chr6:90,553,560, C>T on the plus strand (G>A on the coding strand, the complement: MAP3K7 is on the minus strand). VCF-style: chr6-90553560-C-T. GRCh37 (hg19) VCF-style: chr6-91263279-C-T.
Other names: c.634G>A, p.Val212Ile (NM_003188.4, NM_145332.3, NM_145333.3); short protein forms V212I.
Identifiers: ClinVar variation 4773689 (VCV004773689.1).
Genomic context (GRCh38, chr6:90,553,560, plus strand): 5'-TCTCATCAAAGGGTTTCCGACGCGTTATCACTTCCCAAAGAATAATACCCCAGCTGAAGA[C>T]GTCACATTTTTCACTGTAATTACTACCTAGAAAAAAAAAAGGTAGTATATAACCTAAAGA-3'
Protein context (NP_663304.1, residues 202-222): EGSNYSEKCD[Val212Ile]FSWGIILWEV

ClinVar aggregate classification (germline): Uncertain significance (1 of 4 stars; one submission).

gnomAD v4.1: 4 of 1,611,808 alleles (0.00025%); highest among the groups gnomAD compares: South Asian, 0.0011%; no homozygotes.

Submission:

Labcorp Genetics (formerly Invitae), Labcorp
Classification: Uncertain significance. Last evaluated: 2025-05-02. Review status: criteria provided, single submitter. Criteria: Invitae Variant Classification Sherloc (09022015). Collection method: clinical testing. Allele origin: germline.
Comment: This sequence change replaces valine, which is neutral and non-polar, with isoleucine, which is neutral and non-polar, at codon 212 of the MAP3K7 protein (p.Val212Ile). This variant is present in population databases (rs760970094, gnomAD 0.003%). This variant has not been reported in the literature in individuals affected with MAP3K7-related conditions. An algorithm developed to predict the effect of missense changes on protein structure and function (PolyPhen-2) suggests that this variant is likely to be tolerated. In summary, the available evidence is currently insufficient to determine the role of this variant in disease. Therefore, it has been classified as a Variant of Uncertain Significance.